The following is an entry in ClinVar:

NM_001258392.3(CLPB):c.1592G>A (p.Arg531Gln)

Gene: CLPB (ClpB family mitochondrial disaggregase; minus strand). Cytogenetic location: 11q13.4.
Variant type: single nucleotide variant.
Coding change: c.1592G>A on transcript NM_001258392.3 (MANE Select); coding-DNA position 1592, G replaced by A.
Protein change: p.Arg531Gln; replaces arginine 531 with glutamine.
Molecular consequence: missense variant.
Genome position (GRCh38, 1-based): chr11:72,294,413, C>T on the plus strand (G>A on the coding strand, the complement: CLPB is on the minus strand). VCF-style: chr11-72294413-C-T. GRCh37 (hg19) VCF-style: chr11-72005457-C-T.
Other names: c.1505G>A, p.Arg502Gln (NM_001258393.3); c.1547G>A, p.Arg516Gln (NM_001258394.3); c.1682G>A, p.Arg561Gln (NM_030813.6); short protein forms R531Q, R561Q, R502Q, R516Q.
Identifiers: ClinVar variation 643064 (VCV000643064.14), dbSNP rs1590753221, ClinGen allele CA381726552.

ClinVar aggregate classification (germline): Conflicting classifications of pathogenicity. Review status: criteria provided, conflicting classifications (1 of 4 stars). 5 submissions from 5 submitters: Pathogenic (2); Likely pathogenic (1); Uncertain significance (1). 1 of the submissions does not count toward it. Last evaluated 2026-10-23.

Conditions:
3-methylglutaconic aciduria, type VIIA. Also called: 3-METHYLGLUTACONIC ACIDURIA WITH NEUROLOGIC INVOLVEMENT AND NEUTROPENIA, AUTOSOMAL DOMINANT. Identifiers: MedGen C5676967, MONDO:0859237, OMIM 619835.
Neutropenia, severe congenital, 9, autosomal dominant. Identifiers: MedGen C5676954, MONDO:0030726, OMIM 619813.
3-methylglutaconic aciduria, type VIIB (MGCA7B). Also called: 3-methylglutaconic aciduria, type VII, with cataracts, neurologic involvement and neutropenia; CLPB Deficiency; 3-methylglutaconic aciduria with cataracts, neurologic involvement and neutropenia. Identifiers: Orphanet 445038, MedGen C5676893, MONDO:0014561, OMIM 616271.

Submissions (5):

Gene Mapping Laboratory, Hacettepe University
Classification: Pathogenic for 3-methylglutaconic aciduria, type VIIA. Last evaluated: 2026-10-23. Review status: criteria provided, single submitter. Criteria: ACMG Guidelines, 2015. Collection method: research. Allele origin: de novo. Inheritance: Autosomal dominant inheritance. Affected: yes. Observed: 1 variant allele, 1 heterozygote.
Comment: This heterozygous missense variant alters an amino acid residue in CLPB and is reported to be rare in population databases (PM2). This variant has previously been associated with disease in ClinVar (PP5). The same amino acid change is an established pathogenic variant (c.1591C>T (p.Arg531Trp); PMID: 34140661, 32313153) (PS1). This variant is not present in biologically confirmed parents (de novo, PS2), and the functional studies show a deleterious effect (PMID: 34115842, PS3).

Labcorp Genetics (formerly Invitae), Labcorp
Classification: Uncertain significance for 3-methylglutaconic aciduria, type VIIB. Last evaluated: 2025-10-01. Review status: criteria provided, single submitter. Criteria: Invitae Variant Classification Sherloc (09022015). Collection method: clinical testing. Allele origin: germline.
Comment: This sequence change replaces arginine, which is basic and polar, with glutamine, which is neutral and polar, at codon 561 of the CLPB protein (p.Arg561Gln). This variant is not present in population databases (gnomAD no frequency). This missense change has been observed in individual(s) with autosomal dominant congenital neutropenia (PMID: 34115842). ClinVar contains an entry for this variant (Variation ID: 643064). An algorithm developed to predict the effect of missense changes on protein structure and function (PolyPhen-2) suggests that this variant is likely to be disruptive. This variant disrupts the p.Arg561 amino acid residue in CLPB. Other variant(s) that disrupt this residue have been determined to be pathogenic (PMID: 32313153, 34140661; internal data). This suggests that this residue is clinically significant, and that variants that disrupt this residue are likely to be disease-causing. In summary, the available evidence is currently insufficient to determine the role of this variant in disease. Therefore, it has been classified as a Variant of Uncertain Significance.

Institute of Medical Genetics and Applied Genomics, University Hospital Tübingen
Classification: Likely pathogenic for Neutropenia, severe congenital, 9, autosomal dominant. Last evaluated: 2024-09-25. Review status: criteria provided, single submitter. Criteria: ACMG Guidelines, 2015. Collection method: clinical testing. Allele origin: germline. Inheritance: Autosomal dominant inheritance. Affected: yes.

GeneDx
Classification: Pathogenic. Last evaluated: 2022-07-05. Review status: criteria provided, single submitter. Criteria: GeneDx Variant Classification Process June 2021. Collection method: clinical testing. Allele origin: germline. Affected: yes.
Comment: Not observed at significant frequency in large population cohorts (gnomAD); In silico analysis, which includes protein predictors and evolutionary conservation, supports a deleterious effect; This variant is associated with the following publications: (PMID: 34140661, 35499078, 34115842)

OMIM
Classification: Pathogenic for NEUTROPENIA, SEVERE CONGENITAL, 9, AUTOSOMAL DOMINANT. Last evaluated: 2022-04-11. Review status: no assertion criteria provided. Collection method: literature only. Allele origin: germline. Not counted in ClinVar's aggregate classification.

Literature cited by the submitters: PubMed 34140661 (cited by Gene Mapping Laboratory, Hacettepe University and Labcorp Genetics (formerly Invitae), Labcorp); PubMed 32313153 (cited by Gene Mapping Laboratory, Hacettepe University and Labcorp Genetics (formerly Invitae), Labcorp); PubMed 34115842 (cited by Labcorp Genetics (formerly Invitae), Labcorp and OMIM).